The following is an entry in ClinVar:

ClinVar aggregate classification (germline): Pathogenic/Likely pathogenic. Review status: criteria provided, multiple submitters, no conflicts (2 of 4 stars). 2 submissions from 2 submitters: Pathogenic (1); Likely pathogenic (1). Last evaluated 2024-01-22.

Conditions:
Hereditary diffuse gastric adenocarcinoma (HDGC). Also called: DIFFUSE GASTRIC AND LOBULAR BREAST CANCER SYNDROME. Identifiers: Orphanet 26106, MedGen C1708349, MONDO:0007648, OMIM 137215.

Submissions (2):

Quest Diagnostics Nichols Institute San Juan Capistrano
Classification: Likely pathogenic. Last evaluated: 2024-01-22. Review status: criteria provided, single submitter. Criteria: Quest Diagnostics criteria. Collection method: clinical testing. Allele origin: unknown.
Comment: The CDH1 c.1926C>G (p.Tyr642*) variant is predicted to cause the premature termination of CDH1 protein synthesis. This variant has not been reported in individuals with CDH1-related conditions in the published literature. This variant has not been reported in large, multi-ethnic general populations (Genome Aggregation Database). Based on the available information, this variant is classified as likely pathogenic.

Labcorp Genetics (formerly Invitae), Labcorp
Classification: Pathogenic for Hereditary diffuse gastric adenocarcinoma. Last evaluated: 2023-05-30. Review status: criteria provided, single submitter. Criteria: Invitae Variant Classification Sherloc (09022015). Collection method: clinical testing. Allele origin: germline.
Comment: For these reasons, this variant has been classified as Pathogenic. Algorithms developed to predict the effect of sequence changes on RNA splicing suggest that this variant may disrupt the consensus splice site. This variant has not been reported in the literature in individuals affected with CDH1-related conditions. This variant is not present in population databases (gnomAD no frequency). This sequence change creates a premature translational stop signal (p.Tyr642*) in the CDH1 gene. It is expected to result in an absent or disrupted protein product. Loss-of-function variants in CDH1 are known to be pathogenic (PMID: 15235021, 20373070).

Literature cited by the submitters: PubMed 15235021 (cited by Labcorp Genetics (formerly Invitae), Labcorp); PubMed 20373070 (cited by Labcorp Genetics (formerly Invitae), Labcorp).

NM_004360.5(CDH1):c.1926C>G (p.Tyr642Ter)

Gene: CDH1 (cadherin 1; plus strand). Cytogenetic location: 16q22.1.
Variant type: single nucleotide variant.
Coding change: c.1926C>G on transcript NM_004360.5 (MANE Select); coding-DNA position 1926, C replaced by G.
Protein change: p.Tyr642Ter; replaces tyrosine 642 with a stop codon.
Molecular consequence: nonsense. On other transcripts: 5 prime UTR variant (1).
Genome position (GRCh38, 1-based): chr16:68,822,215, C>G. VCF-style: chr16-68822215-C-G. GRCh37 (hg19) VCF-style: chr16-68856118-C-G.
Other names: c.1743C>G, p.Tyr581Ter (NM_001317184.2); c.378C>G, p.Tyr126Ter (NM_001317185.2); c.-40C>G (NM_001317186.2); c.1926C>G (NM_004360.4); short protein forms Y126*, Y581*, Y642*.
Identifiers: ClinVar variation 2750117 (VCV002750117.4), dbSNP rs1961172043, ClinGen allele CA396467267.
Genomic context (GRCh38, chr16:68,822,215, plus strand): 5'-TACATCTCCCTTCACAGCAGAACTAACACACGGGGCGAGTGCCAACTGGACCATTCAGTA[C>G]AACGACCCAAGTGGGTACCTGAGTTTTATTTTGGCAACTTTGCTCCAACTGCCATGCTTC-3'